The following is an entry in ClinVar:

ClinVar aggregate classification (germline): Uncertain significance. Review status: criteria provided, multiple submitters, no conflicts (2 of 4 stars). 3 submissions from 3 submitters: Uncertain significance (3). Last evaluated 2025-08-22.

Conditions:
Congenital muscular dystrophy due to integrin alpha-7 deficiency. Also called: Congenital muscular dystrophy with integrin alpha-7 deficiency; Muscular dystrophy, congenital, due to ITGA7 deficiency; MYOPATHY, CONGENITAL, DUE TO INTEGRIN ALPHA-7 DEFICIENCY. Identifiers: Orphanet 34520, MedGen C2750786, MONDO:0013177, OMIM 613204.

Allele frequency attached by ClinVar (database versions not stated): ExAC 0.00001; gnomAD 0.00001; gnomAD exomes 0.00001; TOPMed 0.00001.

Submissions (3):

Ambry Genetics
Classification: Uncertain significance. Last evaluated: 2025-08-22. Review status: criteria provided, single submitter. Criteria: Ambry Variant Classification Scheme 2023. Collection method: clinical testing. Allele origin: germline.

GeneDx
Classification: Uncertain significance. Last evaluated: 2025-08-05. Review status: criteria provided, single submitter. Criteria: GeneDx Variant Classification Process June 2021. Collection method: clinical testing. Allele origin: germline. Affected: yes.
Comment: Not observed at significant frequency in large population cohorts (gnomAD); In silico analysis supports that this missense variant has a deleterious effect on protein structure/function; Has not been previously published as pathogenic or benign to our knowledge

Labcorp Genetics (formerly Invitae), Labcorp
Classification: Uncertain significance for Congenital muscular dystrophy due to integrin alpha-7 deficiency. Last evaluated: 2025-06-20. Review status: criteria provided, single submitter. Criteria: Invitae Variant Classification Sherloc (09022015). Collection method: clinical testing. Allele origin: germline.
Comment: This sequence change replaces proline, which is neutral and non-polar, with serine, which is neutral and polar, at codon 251 of the ITGA7 protein (p.Pro251Ser). This variant is present in population databases (rs781039935, gnomAD 0.01%). This variant has not been reported in the literature in individuals affected with ITGA7-related conditions. ClinVar contains an entry for this variant (Variation ID: 939758). An algorithm developed to predict the effect of missense changes on protein structure and function (PolyPhen-2) suggests that this variant is likely to be tolerated. In summary, the available evidence is currently insufficient to determine the role of this variant in disease. Therefore, it has been classified as a Variant of Uncertain Significance.

NM_002206.3(ITGA7):c.751C>T (p.Pro251Ser)

Gene: ITGA7 (integrin subunit alpha 7; minus strand). Cytogenetic location: 12q13.2.
Variant type: single nucleotide variant.
Coding change: c.751C>T on transcript NM_002206.3 (MANE Select); coding-DNA position 751, C replaced by T.
Protein change: p.Pro251Ser; replaces proline 251 with serine.
Molecular consequence: missense variant. On other transcripts: intron variant (7).
Genome position (GRCh38, 1-based): chr12:55,699,909, G>A on the plus strand (C>T on the coding strand, the complement: ITGA7 is on the minus strand). VCF-style: chr12-55699909-G-A. GRCh37 (hg19) VCF-style: chr12-56093693-G-A.
Other names: c.751C>T, p.Pro251Ser (NM_001374465.1, NM_001414031.1, NM_001414034.1); c.883C>T, p.Pro295Ser (NM_001410977.1); c.568C>T, p.Pro190Ser (NM_001414033.1); c.412C>T, p.Pro138Ser (NM_001414035.1); c.511+353C>T (NM_001144997.2); c.463+353C>T (NM_001367993.1); c.-503+990C>T (NM_001367994.1); c.670+990C>T (NM_001414032.1); and 1 more; short protein forms P251S, P295S, P138S, P190S.
Identifiers: ClinVar variation 939758 (VCV000939758.12), dbSNP rs781039935, ClinGen allele CA6616187.
Genomic context (GRCh38, chr12:55,699,909, plus strand): 5'-AGGAGGTGGGAGCTTACAAACCTAAGTAGCTATTGAGGGCCAAGTCTCCGGCTGGTCCTG[G>A]GAGCCGGTCAGCAGGGTCCAAAGTTTTATACACCAGCTGGTCGGGGTCTGAGCTATCAAT-3'
Protein context (NP_002197.2, residues 241-261): YKTLDPADRL[Pro251Ser]GPAGDLALNS